The following is an entry in ClinVar:

ClinVar aggregate classification (germline): Uncertain significance (1 of 4 stars; one submission).

Submission:

Ambry Genetics
Classification: Uncertain significance. Last evaluated: 2025-03-22. Review status: criteria provided, single submitter. Criteria: Ambry Variant Classification Scheme 2023. Collection method: clinical testing. Allele origin: germline.
Comment: The p.T606S variant (also known as c.1817C>G), located in coding exon 1 of the TET2 gene, results from a C to G substitution at nucleotide position 1817. The threonine at codon 606 is replaced by serine, an amino acid with similar properties. This amino acid position is conserved. In addition, this alteration is predicted to be tolerated by in silico analysis. Based on the available evidence, the clinical significance of this variant remains unclear.

NM_001127208.3(TET2):c.1817C>G (p.Thr606Ser)

Genes: TET2 (tet methylcytosine dioxygenase 2; plus strand), TET2-AS1 (TET2 antisense RNA 1; minus strand). Cytogenetic location: 4q24.
Variant type: single nucleotide variant.
Coding change: c.1817C>G on transcript NM_001127208.3 (MANE Select); coding-DNA position 1817, C replaced by G.
Protein change: p.Thr606Ser; replaces threonine 606 with serine.
Molecular consequence: missense variant.
Genome position (GRCh38, 1-based): chr4:105,235,759, C>G. VCF-style: chr4-105235759-C-G. GRCh37 (hg19) VCF-style: chr4-106156916-C-G.
Other names: c.1817C>G, p.Thr606Ser (NM_017628.4); short protein forms T606S.
Identifiers: ClinVar variation 3967475 (VCV003967475.1).